The following is an entry in ClinVar:

ClinVar aggregate classification (germline): Uncertain significance (1 of 4 stars; one submission).

Conditions:
Cardiovascular phenotype. Identifiers: MedGen CN230736.

Submission:

Ambry Genetics
Classification: Uncertain significance for Cardiovascular phenotype. Last evaluated: 2026-05-14. Review status: criteria provided, single submitter. Criteria: Ambry Variant Classification Scheme 2023. Collection method: clinical testing. Allele origin: germline.
Comment: The p.V479G variant (also known as c.1436T>G), located in coding exon 12 of the ENG gene, results from a T to G substitution at nucleotide position 1436. The valine at codon 479 is replaced by glycine, an amino acid with dissimilar properties. This amino acid position is conserved. In addition, the in silico prediction for this alteration is inconclusive. Based on the available evidence, the clinical significance of this variant remains unclear.

NM_001114753.3(ENG):c.1436T>G (p.Val479Gly)

Genes: ENG (endoglin; minus strand), LOC102723566 (uncharacterized LOC102723566; plus strand). Cytogenetic location: 9q34.11.
Variant type: single nucleotide variant.
Coding change: c.1436T>G on transcript NM_001114753.3 (MANE Select); coding-DNA position 1436, T replaced by G.
Protein change: p.Val479Gly; replaces valine 479 with glycine.
Molecular consequence: missense variant. On other transcripts: non-coding transcript variant (1).
Genome position (GRCh38, 1-based): chr9:127,818,370, A>C on the plus strand (T>G on the coding strand, the complement: ENG is on the minus strand). VCF-style: chr9-127818370-A-C. GRCh37 (hg19) VCF-style: chr9-130580649-A-C.
Other names: c.1436T>G, p.Val479Gly (NM_000118.4); c.890T>G, p.Val297Gly (NM_001278138.2); short protein forms V297G, V479G.
Identifiers: ClinVar variation 4870469 (VCV004870469.1).
Genomic context (GRCh38, chr9:127,818,370, plus strand): 5'-GGCCCCAAGTCCAGGTGGCAGCTGTCTAACTGGAGCAGGAACTCGGAGACGGATGGGGAC[A>C]CTCTGACCTGCATGGGTAGGTAGGGCCACGCGGCATGGGCAGCTGCTCTTCACCCCACCC-3'
Protein context (NP_001108225.1, residues 469-489): PGQQSFVQVR[Val479Gly]SPSVSEFLLQ